The following is an entry in ClinVar:

NM_001366385.1(CARD14):c.2611G>A (p.Gly871Arg)

Genes: CARD14 (caspase recruitment domain family member 14; plus strand), SGSH (N-sulfoglucosamine sulfohydrolase; minus strand), LOC126862662 (MED14-independent group 3 enhancer GRCh37_chr17:78178385-78179584; plus strand). Cytogenetic location: 17q25.3.
Variant type: single nucleotide variant.
Coding change: c.2611G>A on transcript NM_001366385.1 (MANE Select); coding-DNA position 2611, G replaced by A.
Protein change: p.Gly871Arg; replaces glycine 871 with arginine.
Molecular consequence: missense variant. On other transcripts: non-coding transcript variant (1).
Genome position (GRCh38, 1-based): chr17:80,205,572, G>A. VCF-style: chr17-80205572-G-A. GRCh37 (hg19) VCF-style: chr17-78179371-G-A.
Other names: c.2611G>A, p.Gly871Arg (NM_024110.4); short protein forms G871R.
Identifiers: ClinVar variation 4791683 (VCV004791683.1).
Genomic context (GRCh38, chr17:80,205,572, plus strand): 5'-CGTCCAATGTCACCTGTAGAGTACTTGAGCCAGGAGGAGTATGAGGCCTGGAGCCAGAGA[G>A]GGGACATCATCCAGGAGGGAGAGGTGTCCGGGGGCCGCTGCTGGGTGACCCGCCATGCTG-3'
Protein context (NP_001353314.1, residues 861-881): QEEYEAWSQR[Gly871Arg]DIIQEGEVSG

ClinVar aggregate classification (germline): Uncertain significance (1 of 4 stars; one submission).

Conditions:
Pityriasis rubra pilaris (PRP). Also called: Pityriasis rubra pilaris--familial type. Identifiers: Orphanet 2897, MedGen C0032027, MONDO:0100017, OMIM 173200, MONDO:0008251.
Psoriasis 2. Identifiers: MedGen C1864497, MONDO:0011269, OMIM 602723.

Submission:

Labcorp Genetics (formerly Invitae), Labcorp
Classification: Uncertain significance for Pityriasis rubra pilaris; Psoriasis 2. Last evaluated: 2025-06-01. Review status: criteria provided, single submitter. Criteria: Invitae Variant Classification Sherloc (09022015). Collection method: clinical testing. Allele origin: germline.
Comment: This sequence change replaces glycine, which is neutral and non-polar, with arginine, which is basic and polar, at codon 871 of the CARD14 protein (p.Gly871Arg). The frequency data for this variant in the population databases is considered unreliable, as metrics indicate poor data quality at this position in the gnomAD database. This variant has not been reported in the literature in individuals affected with CARD14-related conditions. Invitae Evidence Modeling of protein sequence and biophysical properties (such as structural, functional, and spatial information, amino acid conservation, physicochemical variation, residue mobility, and thermodynamic stability) indicates that this missense variant is not expected to disrupt CARD14 protein function with a negative predictive value of 95%. In summary, the available evidence is currently insufficient to determine the role of this variant in disease. Therefore, it has been classified as a Variant of Uncertain Significance.